The following is an entry in ClinVar:

NM_001378477.3(NYX):c.1078C>T (p.Pro360Ser)

Gene: NYX (nyctalopin; plus strand). Cytogenetic location: Xp11.4.
Variant type: single nucleotide variant.
Coding change: c.1078C>T on transcript NM_001378477.3 (MANE Select); coding-DNA position 1078, C replaced by T.
Protein change: p.Pro360Ser; replaces proline 360 with serine.
Molecular consequence: missense variant.
Genome position (GRCh38, 1-based): chrX:41,474,546, C>T. VCF-style: chrX-41474546-C-T. GRCh37 (hg19) VCF-style: chrX-41333799-C-T.
Other names: c.1078C>T, p.Pro360Ser (NM_022567.3); short protein forms P365S, P360S.
Identifiers: ClinVar variation 450213 (VCV000450213.4), dbSNP rs1555967297, ClinGen allele CA412992591.
Genomic context (GRCh38, chrX:41,474,546, plus strand): 5'-GAGTGGCTGAGGGACTGGATGGAGGGCTCCGGACGTGTCACCGACGTGCCGTGCGCCTCC[C>T]CGGGCTCCGTGGCCGGCCTGGACCTCAGCCAGGTGACCTTCGGGCGCTCCTCCGATGGCC-3'
Protein context (NP_001365406.2, residues 350-370): GRVTDVPCAS[Pro360Ser]GSVAGLDLSQ

ClinVar aggregate classification (germline): Uncertain significance (1 of 4 stars; one submission).

Submission:

GeneDx
Classification: Uncertain significance. Last evaluated: 2025-01-08. Review status: criteria provided, single submitter. Criteria: GeneDx Variant Classification Process June 2021. Collection method: clinical testing. Allele origin: germline. Affected: yes.
Comment: Not observed at significant frequency in large population cohorts (gnomAD); In silico analysis supports that this missense variant has a deleterious effect on protein structure/function; Has not been previously published as pathogenic or benign to our knowledge